The following is an entry in ClinVar:

ClinVar aggregate classification (germline): Likely benign (0 of 4 stars; one submission).

Conditions:
AFF4-related disorder. Also called: AFF4-related condition.

gnomAD v4.1: 2 of 1,613,790 alleles (0.00012%); highest among the groups gnomAD compares: Non-Finnish European, 0.00017%; no homozygotes.

Submission:

PreventionGenetics, part of Exact Sciences
Classification: Likely benign for AFF4-related condition. Last evaluated: 2023-06-09. Review status: no assertion criteria provided. Collection method: clinical testing. Allele origin: germline.
Comment: This variant is classified as likely benign based on ACMG/AMP sequence variant interpretation guidelines (Richards et al. 2015 PMID: 25741868, with internal and published modifications).

NM_014423.4(AFF4):c.2841A>G (p.Val947=)

Gene: AFF4 (ALF transcription elongation factor 4; minus strand). Cytogenetic location: 5q31.1.
Variant type: single nucleotide variant.
Coding change: c.2841A>G on transcript NM_014423.4 (MANE Select); coding-DNA position 2841, A replaced by G.
Protein change: p.Val947=; no amino-acid change (valine 947 retained).
Molecular consequence: synonymous variant.
Genome position (GRCh38, 1-based): chr5:132,887,938, T>C on the plus strand (A>G on the coding strand, the complement: AFF4 is on the minus strand). VCF-style: chr5-132887938-T-C. GRCh37 (hg19) VCF-style: chr5-132223630-T-C.
Identifiers: ClinVar variation 3356259 (VCV003356259.1).